The following is an entry in ClinVar:

NM_000551.4(VHL):c.70G>T (p.Gly24Cys)

Gene: VHL (von Hippel-Lindau tumor suppressor; plus strand). Cytogenetic location: 3p25.3.
Variant type: single nucleotide variant.
Coding change: c.70G>T on transcript NM_000551.4 (MANE Select); coding-DNA position 70, G replaced by T.
Protein change: p.Gly24Cys; replaces glycine 24 with cysteine.
Molecular consequence: missense variant.
Genome position (GRCh38, 1-based): chr3:10,141,917, G>T. VCF-style: chr3-10141917-G-T. GRCh37 (hg19) VCF-style: chr3-10183601-G-T.
Other names: c.70G>T, p.Gly24Cys (NM_001354723.2, NM_198156.3); short protein forms G24C.
Identifiers: ClinVar variation 576935 (VCV000576935.17), dbSNP rs1438223626, ClinGen allele CA351747408.

ClinVar aggregate classification (germline): Uncertain significance. Review status: criteria provided, multiple submitters, no conflicts (2 of 4 stars). 5 submissions from 5 submitters: Uncertain significance (5). Last evaluated 2025-02-10.

Conditions:
Hereditary cancer-predisposing syndrome. Also called: Hereditary neoplastic syndrome; Tumor predisposition; Hereditary Cancer Syndrome; Neoplastic Syndromes, Hereditary. Identifiers: Orphanet 140162, MedGen C0027672, MeSH D009386, MONDO:0015356.
Chuvash polycythemia. Also called: POLYCYTHEMIA, VHL-DEPENDENT. Identifiers: Orphanet 238557, MedGen C1837915, MONDO:0009892, OMIM 263400.
Pheochromocytoma. Also called: MAX-Related Hereditary Paraganglioma-Pheochromocytoma Syndrome. Identifiers: Orphanet 29072, MedGen C0031511, MONDO:0008233, OMIM 171300, HP:0002666.
Nonpapillary renal cell carcinoma. Identifiers: Orphanet 422526, MedGen CN074294, MONDO:0007763, OMIM 144700.
Von Hippel-Lindau syndrome (VHLS). Also called: VHL syndrome; von Hippel–Lindau syndrome; Von Hippel-Lindau. Identifiers: Orphanet 892, MedGen C0019562, MONDO:0008667, OMIM 193300. Disease mechanism: loss of function.

Allele frequency attached by ClinVar (database versions not stated): TOPMed below 0.00001.

Submissions (5):

Labcorp Genetics (formerly Invitae), Labcorp
Classification: Uncertain significance for Von Hippel-Lindau syndrome; Chuvash polycythemia. Last evaluated: 2025-02-10. Review status: criteria provided, single submitter. Criteria: Invitae Variant Classification Sherloc (09022015). Collection method: clinical testing. Allele origin: germline.
Comment: This sequence change replaces glycine, which is neutral and non-polar, with cysteine, which is neutral and slightly polar, at codon 24 of the VHL protein (p.Gly24Cys). This variant is not present in population databases (gnomAD no frequency). This variant has not been reported in the literature in individuals affected with VHL-related conditions. ClinVar contains an entry for this variant (Variation ID: 576935). Invitae Evidence Modeling of protein sequence and biophysical properties (such as structural, functional, and spatial information, amino acid conservation, physicochemical variation, residue mobility, and thermodynamic stability) has been performed for this missense variant. However, the output from this modeling did not meet the statistical confidence thresholds required to predict the impact of this variant on VHL protein function. In summary, the available evidence is currently insufficient to determine the role of this variant in disease. Therefore, it has been classified as a Variant of Uncertain Significance.

Ambry Genetics
Classification: Uncertain significance for Hereditary cancer-predisposing syndrome. Last evaluated: 2024-11-07. Review status: criteria provided, single submitter. Criteria: Ambry Variant Classification Scheme 2023. Collection method: clinical testing. Allele origin: germline.
Comment: The p.G24C variant (also known as c.70G>T), located in coding exon 1 of the VHL gene, results from a G to T substitution at nucleotide position 70. The glycine at codon 24 is replaced by cysteine, an amino acid with highly dissimilar properties. This amino acid position is conserved on limited sequence alignment. In addition, the in silico prediction for this alteration is inconclusive. Since supporting evidence is limited at this time, the clinical significance of this alteration remains unclear.

Baylor Genetics
Classification: Uncertain significance for Chuvash polycythemia. Last evaluated: 2024-03-25. Review status: criteria provided, single submitter. Criteria: ACMG Guidelines, 2015. Collection method: clinical testing. Allele origin: unknown.

All of Us Research Program, National Institutes of Health
Classification: Uncertain significance for Von Hippel-Lindau syndrome. Last evaluated: 2023-06-08. Review status: criteria provided, single submitter. Criteria: ACMG Guidelines, 2015. Collection method: clinical testing. Allele origin: germline. Inheritance: Autosomal dominant inheritance. Observed: 1 variant allele, 1 heterozygote.
Comment: This missense variant replaces glycine with cysteine at codon 24 of the VHL protein. Computational prediction suggests that this variant may not impact protein structure and function (internally defined REVEL score threshold <= 0.5, PMID: 27666373). To our knowledge, functional studies have not been reported for this variant. This variant has not been reported in individuals affected with VHL-related disorders in the literature. This variant has not been identified in the general population by the Genome Aggregation Database (gnomAD). The available evidence is insufficient to determine the role of this variant in disease conclusively. Therefore, this variant is classified as a Variant of Uncertain Significance.

This study involves interpretation of variants in research participants for the purpose of population health screening. Participant phenotype was not available at the time of variant classification. Additional details can be found in publication PMID: 35346344, PMCID: PMC8962531

Fulgent Genetics
Classification: Uncertain significance for Nonpapillary renal cell carcinoma; Pheochromocytoma; Von Hippel-Lindau syndrome; Chuvash polycythemia. Last evaluated: 2022-01-18. Review status: criteria provided, single submitter. Criteria: ACMG Guidelines, 2015. Collection method: clinical testing. Allele origin: unknown.